The following is an entry in ClinVar:

NM_004448.4(ERBB2):c.2638G>C (p.Asp880His)

Gene: ERBB2 (erb-b2 receptor tyrosine kinase 2; plus strand). Cytogenetic location: 17q12.
Variant type: single nucleotide variant.
Coding change: c.2638G>C on transcript NM_004448.4 (MANE Select); coding-DNA position 2638, G replaced by C.
Protein change: p.Asp880His; replaces aspartic acid 880 with histidine.
Molecular consequence: missense variant. On other transcripts: non-coding transcript variant (1), intron variant (3).
Genome position (GRCh38, 1-based): chr17:39,725,193, G>C. VCF-style: chr17-39725193-G-C. GRCh37 (hg19) VCF-style: chr17-37881446-G-C.
Other names: c.2719G>C, p.Asp907His (NM_001382786.1); c.2713G>C, p.Asp905His (NM_001382787.1); c.2668G>C, p.Asp890His (NM_001382788.1); c.2659G>C, p.Asp887His (NM_001382789.1); c.2635G>C, p.Asp879His (NM_001382790.1); c.2629G>C, p.Asp877His (NM_001382791.1); c.2602G>C, p.Asp868His (NM_001382792.1); c.2596G>C, p.Asp866His (NM_001382793.1, NM_001382794.1, NM_001382803.1); and 15 more; short protein forms D877H, D880H, D919H, D794H, D850H, D864H, D865H, D887H.
Identifiers: ClinVar variation 2896182 (VCV002896182.3), dbSNP rs747974836, ClinGen allele CA8534339.

ClinVar aggregate classification (germline): Uncertain significance (1 of 4 stars; one submission).

Allele frequency attached by ClinVar (database versions not stated): gnomAD exomes below 0.00001; ExAC 0.00001.
gnomAD v4.1: 4 of 1,613,964 alleles (0.00025%); highest among the groups gnomAD compares: East Asian, 0.0089%; no homozygotes.

Submission:

Labcorp Genetics (formerly Invitae), Labcorp
Classification: Uncertain significance. Last evaluated: 2023-08-29. Review status: criteria provided, single submitter. Criteria: Invitae Variant Classification Sherloc (09022015). Collection method: clinical testing. Allele origin: germline.
Comment: This variant is present in population databases (rs747974836, gnomAD 0.01%). In summary, the available evidence is currently insufficient to determine the role of this variant in disease. Therefore, it has been classified as a Variant of Uncertain Significance. Advanced modeling of protein sequence and biophysical properties (such as structural, functional, and spatial information, amino acid conservation, physicochemical variation, residue mobility, and thermodynamic stability) performed at Invitae indicates that this missense variant is not expected to disrupt ERBB2 protein function. This variant has not been reported in the literature in individuals affected with ERBB2-related conditions. This sequence change replaces aspartic acid, which is acidic and polar, with histidine, which is basic and polar, at codon 880 of the ERBB2 protein (p.Asp880His).